The following is an entry in ClinVar:

ClinVar aggregate classification (germline): Uncertain significance (1 of 4 stars; one submission).

Submission:

Labcorp Genetics (formerly Invitae), Labcorp
Classification: Uncertain significance. Last evaluated: 2024-12-19. Review status: criteria provided, single submitter. Criteria: Invitae Variant Classification Sherloc (09022015). Collection method: clinical testing. Allele origin: germline.
Comment: This sequence change replaces glycine, which is neutral and non-polar, with aspartic acid, which is acidic and polar, at codon 1345 of the CACNA1F protein (p.Gly1345Asp). This variant is not present in population databases (gnomAD no frequency). This variant has not been reported in the literature in individuals affected with CACNA1F-related conditions. Invitae Evidence Modeling of protein sequence and biophysical properties (such as structural, functional, and spatial information, amino acid conservation, physicochemical variation, residue mobility, and thermodynamic stability) indicates that this missense variant is expected to disrupt CACNA1F protein function with a positive predictive value of 80%. In summary, the available evidence is currently insufficient to determine the role of this variant in disease. Therefore, it has been classified as a Variant of Uncertain Significance.

NM_001256789.3(CACNA1F):c.4001G>A (p.Gly1334Asp)

Gene: CACNA1F (calcium voltage-gated channel subunit alpha1 F; minus strand). Cytogenetic location: Xp11.23.
Variant type: single nucleotide variant.
Coding change: c.4001G>A on transcript NM_001256789.3 (MANE Select); coding-DNA position 4001, G replaced by A.
Protein change: p.Gly1334Asp; replaces glycine 1334 with aspartic acid.
Molecular consequence: missense variant.
Genome position (GRCh38, 1-based): chrX:49,212,250, C>T on the plus strand (G>A on the coding strand, the complement: CACNA1F is on the minus strand). VCF-style: chrX-49212250-C-T. GRCh37 (hg19) VCF-style: chrX-49068710-C-T.
Other names: c.3839G>A, p.Gly1280Asp (NM_001256790.3); c.4034G>A, p.Gly1345Asp (NM_005183.4); short protein forms G1334D, G1280D, G1345D.
Identifiers: ClinVar variation 3706860 (VCV003706860.2).
Genomic context (GRCh38, chrX:49,212,250, plus strand): 5'-TCCCCTGCCAGCAGAGGAGTGCTTAAGGGATGCTTCCTAGGGTCCCCACTTGCCTGCATG[C>T]CAATGACGGCATAGATGAAGAATATCATTGCGATGAGAAGAGCCACATAGGGCAAGGCCT-3'
Protein context (NP_001243718.1, residues 1324-1344): AMIFFIYAVI[Gly1334Asp]MQMFGKVALQ